The following is an entry in ClinVar:

NM_002838.5(PTPRC):c.1507G>A (p.Val503Ile)

Gene: PTPRC (protein tyrosine phosphatase receptor type C; plus strand). Cytogenetic location: 1q32.1.
Variant type: single nucleotide variant.
Coding change: c.1507G>A on transcript NM_002838.5 (MANE Select); coding-DNA position 1507, G replaced by A.
Protein change: p.Val503Ile; replaces valine 503 with isoleucine.
Molecular consequence: missense variant.
Genome position (GRCh38, 1-based): chr1:198,718,150, G>A. VCF-style: chr1-198718150-G-A. GRCh37 (hg19) VCF-style: chr1-198687279-G-A.
Other names: c.1024G>A, p.Val342Ile (NM_080921.4); short protein forms V503I, V342I.
Identifiers: ClinVar variation 852734 (VCV000852734.7), dbSNP rs1193789799, ClinGen allele CA344038915.
Genomic context (GRCh38, chr1:198,718,150, plus strand): 5'-ATAGCTCCAAGCCAGGTCTGGAACATGACTGTCTCCATGACATCAGATAATAGTATGCAT[G>A]TCAAGTGTAGGCCTCCCAGGGACCGTAATGGCCCCCATGAACGTTACCATTTGGAAGTTG-3'
Protein context (NP_002829.3, residues 493-513): VSMTSDNSMH[Val503Ile]KCRPPRDRNG

ClinVar aggregate classification (germline): Uncertain significance (1 of 4 stars; one submission).

Conditions:
Immunodeficiency 104. Also called: IMMUNODEFICIENCY 104, SEVERE COMBINED; SCID, AUTOSOMAL RECESSIVE, T CELL-NEGATIVE, B CELL-POSITIVE, NK CELL-POSITIVE; Severe combined immunodeficiency, autosomal recessive, T cell-negative, B cell-positive, NK cell-positive; Severe Combined Immune Deficiency, Autosomal Recessive, TCell -Negative, B Cell-Positive, NK Cell-Positive, IL7R-Related. Identifiers: MedGen C5676890, MONDO:0012163, OMIM 608971.

Allele frequency attached by ClinVar (database versions not stated): gnomAD exomes below 0.00001; TOPMed below 0.00001.
gnomAD v4.1: 1 of 1,613,968 alleles (0.000062%); highest among the groups gnomAD compares: Non-Finnish European, 0.000085%; no homozygotes.

Submission:

Labcorp Genetics (formerly Invitae), Labcorp
Classification: Uncertain significance for Immunodeficiency 104. Last evaluated: 2021-08-31. Review status: criteria provided, single submitter. Criteria: Invitae Variant Classification Sherloc (09022015). Collection method: clinical testing. Allele origin: germline.
Comment: This sequence change replaces valine with isoleucine at codon 503 of the PTPRC protein (p.Val503Ile). The valine residue is highly conserved and there is a small physicochemical difference between valine and isoleucine. This variant is not present in population databases (ExAC no frequency). This variant has not been reported in the literature in individuals affected with PTPRC-related conditions. Algorithms developed to predict the effect of missense changes on protein structure and function output the following: SIFT: "Tolerated"; PolyPhen-2: "Benign"; Align-GVGD: "Class C0". The isoleucine amino acid residue is found in multiple mammalian species, which suggests that this missense change does not adversely affect protein function. In summary, the available evidence is currently insufficient to determine the role of this variant in disease. Therefore, it has been classified as a Variant of Uncertain Significance.